The following is an entry in ClinVar:

NM_001352754.2(ARMC9):c.1397A>G (p.Lys466Arg)

Gene: ARMC9 (armadillo repeat containing 9; plus strand). Cytogenetic location: 2q37.1.
Variant type: single nucleotide variant.
Coding change: c.1397A>G on transcript NM_001352754.2 (MANE Select); coding-DNA position 1397, A replaced by G.
Protein change: p.Lys466Arg; replaces lysine 466 with arginine.
Molecular consequence: missense variant. On other transcripts: non-coding transcript variant (1).
Genome position (GRCh38, 1-based): chr2:231,276,698, A>G. VCF-style: chr2-231276698-A-G. GRCh37 (hg19) VCF-style: chr2-232141411-A-G.
Other names: c.1397A>G, p.Lys466Arg (NM_001271466.4, NM_001291656.2, NM_001352755.2 and 3 more transcripts); c.1298A>G, p.Lys433Arg (NM_001352757.2, NM_001352758.2); short protein forms K466R, K433R.
Identifiers: ClinVar variation 1489633 (VCV001489633.6), dbSNP rs2125443652, ClinGen allele CA350955631.
Genomic context (GRCh38, chr2:231,276,698, plus strand): 5'-GCCCGCTGCAGACAGCGATGATTCAAGACGGCCTCATCTTCTGGCTGGTTGATGTTCTGA[A>G]GGACCCTGACTGCCTGTCTGACTACACGCTGGAGTACTCGGTGGCTTTGCTCATGAACCT-3'
Protein context (NP_001339683.2, residues 456-476): GLIFWLVDVL[Lys466Arg]DPDCLSDYTL

ClinVar aggregate classification (germline): Uncertain significance (1 of 4 stars; one submission).

Submission:

Labcorp Genetics (formerly Invitae), Labcorp
Classification: Uncertain significance. Last evaluated: 2022-07-11. Review status: criteria provided, single submitter. Criteria: Invitae Variant Classification Sherloc (09022015). Collection method: clinical testing. Allele origin: germline.
Comment: In summary, the available evidence is currently insufficient to determine the role of this variant in disease. Therefore, it has been classified as a Variant of Uncertain Significance. Experimental studies and prediction algorithms are not available or were not evaluated, and the functional significance of this variant is currently unknown. ClinVar contains an entry for this variant (Variation ID: 1489633). This variant has not been reported in the literature in individuals affected with ARMC9-related conditions. This variant is not present in population databases (gnomAD no frequency). This sequence change replaces lysine, which is basic and polar, with arginine, which is basic and polar, at codon 466 of the ARMC9 protein (p.Lys466Arg).